The following is an entry in ClinVar:

NM_016507.4(CDK12):c.138G>C (p.Lys46Asn)

Genes: CDK12 (cyclin dependent kinase 12; plus strand), LOC126862553 (CDK7 strongly-dependent group 2 enhancer GRCh37_chr17:37618166-37619365; plus strand). Cytogenetic location: 17q12.
Variant type: single nucleotide variant.
Coding change: c.138G>C on transcript NM_016507.4 (MANE Select); coding-DNA position 138, G replaced by C.
Protein change: p.Lys46Asn; replaces lysine 46 with asparagine.
Molecular consequence: missense variant.
Genome position (GRCh38, 1-based): chr17:39,462,209, G>C. VCF-style: chr17-39462209-G-C. GRCh37 (hg19) VCF-style: chr17-37618462-G-C.
Other names: c.138G>C, p.Lys46Asn (NM_015083.4); short protein forms K46N.
Identifiers: ClinVar variation 4651379 (VCV004651379.1).
Genomic context (GRCh38, chr17:39,462,209, plus strand): 5'-AGGCGGCAGCTCTAACAGCAGAGAGCGTCACCGCTTGGTATCGAAGCACAAGCGGCATAA[G>C]TCCAAACACTCCAAAGACATGGGGTTGGTGACCCCCGAAGCAGCATCCCTGGGCACAGTT-3'
Protein context (NP_057591.2, residues 36-56): HRLVSKHKRH[Lys46Asn]SKHSKDMGLV

ClinVar aggregate classification (germline): Uncertain significance (1 of 4 stars; one submission).

Submission:

Ambry Genetics
Classification: Uncertain significance. Last evaluated: 2025-10-15. Review status: criteria provided, single submitter. Criteria: Ambry Variant Classification Scheme 2023. Collection method: clinical testing. Allele origin: germline.
Comment: The p.K46N variant (also known as c.138G>C), located in coding exon 1 of the CDK12 gene, results from a G to C substitution at nucleotide position 138. The lysine at codon 46 is replaced by asparagine, an amino acid with similar properties. This amino acid position is conserved. In addition, this alteration is predicted to be tolerated by in silico analysis. Based on the available evidence, the clinical significance of this variant remains unclear.